The following is an entry in ClinVar:

NM_206933.4(USH2A):c.770G>A (p.Gly257Glu)

Gene: USH2A (usherin; minus strand). Cytogenetic location: 1q41.
Variant type: single nucleotide variant.
Coding change: c.770G>A on transcript NM_206933.4 (MANE Select); coding-DNA position 770, G replaced by A.
Protein change: p.Gly257Glu; replaces glycine 257 with glutamic acid.
Molecular consequence: missense variant.
Genome position (GRCh38, 1-based): chr1:216,364,967, C>T on the plus strand (G>A on the coding strand, the complement: USH2A is on the minus strand). VCF-style: chr1-216364967-C-T. GRCh37 (hg19) VCF-style: chr1-216538309-C-T.
Other names: c.770G>A, p.Gly257Glu (NM_007123.6); short protein forms G257E.
Identifiers: ClinVar variation 5004190 (VCV005004190.1).

ClinVar aggregate classification (germline): Uncertain significance (1 of 4 stars; one submission).

Conditions:
USH2A-related disorder. Also called: USH2A-related disorders; USH2A-related condition. Identifiers: MedGen CN239332.

gnomAD v4.1: 1 of 1,613,446 alleles (0.000062%); highest among the groups gnomAD compares: South Asian, 0.0011%; no homozygotes.

Submission:

Myriad Genetics, Inc.
Classification: Uncertain significance for USH2A-related disorder. Last evaluated: 2025-09-26. Review status: criteria provided, single submitter. Criteria: Myriad Autosomal Dominant, Autosomal Recessive and X-Linked Classification Criteria (2023). Collection method: clinical testing. Allele origin: unknown.
Comment: NM_206933.2(USH2A):c.770G>A(G257E) is a missense variant classified as a variant of uncertain significance in the context of USH2A-related disorders. G257E has been observed in a case with relevant disease (PMID: 38219857). Relevant functional assessments of this variant are not available in the literature. G257E has not been observed in referenced population frequency databases. In summary, there is insufficient evidence to classify NM_206933.2(USH2A):c.770G>A(G257E) as pathogenic or benign. Please note: this variant was assessed in the context of healthy population screening.

Literature cited by the submitters: PubMed 38219857.